The following is an entry in ClinVar:

NM_001164508.2(NEB):c.10423G>T (p.Ala3475Ser)

Gene: NEB (nebulin; minus strand). Cytogenetic location: 2q23.3.
Variant type: single nucleotide variant.
Coding change: c.10423G>T on transcript NM_001164508.2 (MANE Select); coding-DNA position 10423, G replaced by T.
Protein change: p.Ala3475Ser; replaces alanine 3475 with serine.
Molecular consequence: missense variant.
Genome position (GRCh38, 1-based): chr2:151,625,563, C>A on the plus strand (G>T on the coding strand, the complement: NEB is on the minus strand). VCF-style: chr2-151625563-C-A. GRCh37 (hg19) VCF-style: chr2-152482077-C-A.
Other names: c.10423G>T, p.Ala3475Ser (NM_001164507.2, NM_001271208.2); c.9694G>T, p.Ala3232Ser (NM_004543.5); short protein forms A3232S, A3475S.
Identifiers: ClinVar variation 837372 (VCV000837372.9), dbSNP rs2098506984, ClinGen allele CA348791005.

ClinVar aggregate classification (germline): Uncertain significance (1 of 4 stars; one submission).

Conditions:
Nemaline myopathy 2 (NEM2). Also called: Nemaline myopathy 2, autosomal recessive. Identifiers: MedGen C1850569, MONDO:0009725, OMIM 256030.

Allele frequency attached by ClinVar (database versions not stated): TOPMed below 0.00001.

Submission:

Labcorp Genetics (formerly Invitae), Labcorp
Classification: Uncertain significance for Nemaline myopathy 2. Last evaluated: 2020-03-01. Review status: criteria provided, single submitter. Criteria: Invitae Variant Classification Sherloc (09022015). Collection method: clinical testing. Allele origin: germline.
Comment: In summary, the available evidence is currently insufficient to determine the role of this variant in disease. Therefore, it has been classified as a Variant of Uncertain Significance. Algorithms developed to predict the effect of missense changes on protein structure and function are either unavailable or do not agree on the potential impact of this missense change (SIFT: "Deleterious"; PolyPhen-2: "Not Available"; Align-GVGD: "Class C0"). This variant has not been reported in the literature in individuals with NEB-related conditions. This variant is not present in population databases (ExAC no frequency). This sequence change replaces alanine with serine at codon 3475 of the NEB protein (p.Ala3475Ser). The alanine residue is moderately conserved and there is a moderate physicochemical difference between alanine and serine.